The following is an entry in ClinVar:

ClinVar aggregate classification (germline): Uncertain significance. Review status: criteria provided, multiple submitters, no conflicts (2 of 4 stars). 2 submissions from 2 submitters: Uncertain significance (2). Last evaluated 2025-09-08.

Allele frequency attached by ClinVar (database versions not stated): gnomAD exomes 0.00005 and 0.00017; ExAC 0.00025; 1000 Genomes Project 0.00040; 1000 Genomes Project 30x 0.00047; ESP Exome Variant Server 0.00054; gnomAD 0.00064 and 0.00068; TOPMed 0.00066.
gnomAD v4.1: 169 of 1,611,230 alleles (0.01%); highest among the groups gnomAD compares: African/African-American, 0.22%; 1 homozygote.

Submissions (3):

Labcorp Genetics (formerly Invitae), Labcorp
Classification: Uncertain significance. Last evaluated: 2025-09-08. Review status: criteria provided, single submitter. Criteria: Invitae Variant Classification Sherloc (09022015). Collection method: clinical testing. Allele origin: germline.
Comment: This sequence change affects a donor splice site in intron 9 of the CEP135 gene. It is expected to disrupt RNA splicing. Variants that disrupt the donor or acceptor splice site typically lead to a loss of protein function (PMID: 16199547), and loss-of-function variants in CEP135 are known to be pathogenic (PMID: 22521416, 26657937). This variant is present in population databases (rs140039256, gnomAD 0.3%). This variant has not been reported in the literature in individuals affected with CEP135-related conditions. ClinVar contains an entry for this variant (Variation ID: 728859). Algorithms developed to predict the effect of sequence changes on RNA splicing suggest that this variant may disrupt the consensus splice site. In summary, the available evidence is currently insufficient to determine the role of this variant in disease. Therefore, it has been classified as a Variant of Uncertain Significance.

GeneDx
Classification: Uncertain significance. Last evaluated: 2021-02-11. Review status: criteria provided, single submitter. Criteria: GeneDx Variant Classification Process June 2021. Collection method: clinical testing. Allele origin: germline. Affected: yes.
Comment: Has not been previously published as pathogenic or benign to our knowledge; Canonical splice site variant expected to result in aberrant splicing, although in the absence of functional evidence the actual effect of this sequence change is unknown.

Dr. Peter K. Rogan Lab, Western University
No classification provided (evidence only). Condition: Familial cancer of breast. Review status: no classification provided. Collection method: in vitro. Allele origin: not applicable. Functional consequence: skipped exon. Not counted in ClinVar's aggregate classification.

Literature cited by the submitters: PubMed 16199547 (cited by Labcorp Genetics (formerly Invitae), Labcorp); PubMed 22521416 (cited by Labcorp Genetics (formerly Invitae), Labcorp); PubMed 26657937 (cited by Labcorp Genetics (formerly Invitae), Labcorp).

NM_025009.5(CEP135):c.1110+1G>A

Gene: CEP135 (centrosomal protein 135; plus strand). Cytogenetic location: 4q12.
Variant type: single nucleotide variant.
Coding change: c.1110+1G>A on transcript NM_025009.5 (MANE Select); the canonical splice donor site of the intron after coding-DNA position 1110, G replaced by A.
Molecular consequence: splice donor variant.
Genome position (GRCh38, 1-based): chr4:55,969,129, G>A. VCF-style: chr4-55969129-G-A. GRCh37 (hg19) VCF-style: chr4-56835295-G-A.
Identifiers: ClinVar variation 728859 (VCV000728859.12), dbSNP rs140039256, ClinGen allele CA2927764.
Genomic context (GRCh38, chr4:55,969,129, plus strand): 5'-ATTAAAAGAAAGCTCTCTGAAATGCAGGATCTTGAAGAAACAATGGCAAAACTTCAGCTG[G>A]TAAGTTGATGTCATGTTGAATTGCCAGCATTTTCAGTAAGAAAATTTTTATGGGAGACTG-3'